The following is an entry in ClinVar:

ClinVar aggregate classification (germline): Conflicting classifications of pathogenicity. Review status: criteria provided, conflicting classifications (1 of 4 stars). 11 submissions from 11 submitters: Pathogenic (4); Likely pathogenic (5); Uncertain significance (2). Last evaluated 2026-08-04.

Conditions:
USH2A-related disorder. Also called: USH2A-related condition; USH2A-related disorders. Identifiers: MedGen CN239332.
Usher syndrome. Also called: Usher Syndromes; Usher's syndrome. Identifiers: Orphanet 886, MedGen CN469326, MeSH D052245, MONDO:0019501. Disease mechanism: loss of function.
Usher syndrome type 2A. Also called: USHER SYNDROME, TYPE IIA; RETINAL DISEASE IN USHER SYNDROME TYPE IIA, MODIFIER OF. Identifiers: Orphanet 231178, Orphanet 886, MedGen C1848634, MONDO:0010169, OMIM 276901.
Retinitis pigmentosa 39 (RP39). Identifiers: Orphanet 791, MedGen C3151138, MONDO:0013436, OMIM 613809.

Allele frequency attached by ClinVar (database versions not stated): gnomAD exomes 0.00001 and 0.00005; ExAC 0.00007; gnomAD 0.00013 and 0.00015; ESP Exome Variant Server 0.00015; TOPMed 0.00018.
gnomAD v4.1: 39 of 1,613,902 alleles (0.0024%); highest among the groups gnomAD compares: African/African-American, 0.045%; no homozygotes.

Submissions (11):

PreventionGenetics, part of Exact Sciences
Classification: Likely pathogenic for USH2A-related condition. Last evaluated: 2026-08-04. Review status: criteria provided, single submitter. Criteria: ACMG Guidelines, 2015. Collection method: clinical testing. Allele origin: germline.
Comment: The USH2A c.2332G>T variant is predicted to result in the amino acid substitution p.Asp778Tyr. This variant has been reported in individuals with non-syndromic retinitis pigmentosa (Lenassi et al. 2015. PubMed ID: 25649381; García Bohórquez et al. 2021. PubMed ID: 34327195; McGowan et al. 2020. PubMed ID: 32579692; Table S3, Sather et al. 2023. PubMed ID: 37446072; Zenteno et al. 2020. PubMed ID: 31736247) and in individuals with Usher syndrome (Table S3; Sloan-Heggen et al. 2016. PubMed ID: 26969326; Santos et al. 2022. PubMed ID: 36003347). This variant is present in 0.056% of alleles in individuals of African descent in gnomAD. This variant is interpreted as likely pathogenic.

Labcorp Genetics (formerly Invitae), Labcorp
Classification: Pathogenic. Last evaluated: 2026-01-19. Review status: criteria provided, single submitter. Criteria: Invitae Variant Classification Sherloc (09022015). Collection method: clinical testing. Allele origin: germline.
Comment: This sequence change replaces aspartic acid, which is acidic and polar, with tyrosine, which is neutral and polar, at codon 778 of the USH2A protein (p.Asp778Tyr). This variant is present in population databases (rs142898216, gnomAD 0.05%). This missense change has been observed in individual(s) with Usher syndrome or non-syndromic retinal disease (PMID: 17085681, 25649381, 26969326; internal data). In at least one individual the data is consistent with being in trans (on the opposite chromosome) from a pathogenic variant. ClinVar contains an entry for this variant (Variation ID: 178583). Invitae Evidence Modeling of protein sequence and biophysical properties (such as structural, functional, and spatial information, amino acid conservation, physicochemical variation, residue mobility, and thermodynamic stability) indicates that this missense variant is expected to disrupt USH2A protein function with a positive predictive value of 95%. For these reasons, this variant has been classified as Pathogenic.

GeneDx
Classification: Likely pathogenic. Last evaluated: 2025-07-28. Review status: criteria provided, single submitter. Criteria: GeneDx Variant Classification Process June 2021. Collection method: clinical testing. Allele origin: germline. Affected: yes.
Comment: In silico analysis supports that this missense variant has a deleterious effect on protein structure/function; This variant is associated with the following publications: (PMID: 32637036, 17085681, 31736247, 31904091, 26969326, 34327195, 38990107, 31964843, 32579692, 36003347, 25649381, 37446072)

Natera, Inc.
Classification: Likely pathogenic for Usher syndrome type 2A. Last evaluated: 2025-07-10. Review status: criteria provided, single submitter. Criteria: Natera Variant Classification Schema (03/2026). Collection method: clinical testing. Allele origin: germline.
Comment: The c.2332G>T variant in USH2A is a missense variant predicted to cause substitution of aspartic acid to tyrosine at amino acid 778. This variant is rare in the general population with a frequency below the threshold expected for the associated phenotype(s). This variant has been observed in at least one unaffected individual, with a zygosity that is consistent with the inheritance pattern for the associated condition (in gnomAD and/or literature). This variant has been observed in one or more individuals affected with the associated recessive disease, as either homozygous or compound heterozygous with a second variant (PMID: 37446072, 17085681, 25649381, 26969326, 31736247, 34327195, 36003347). Computational prediction algorithms indicate this variant is likely to affect gene or protein function. Given the available evidence, this variant is classified as Likely Pathogenic.

Blueprint Genetics
Classification: Pathogenic for USH2A-related disorders. Last evaluated: 2024-03-11. Review status: criteria provided, single submitter. Criteria: ACMG Guidelines, 2015. Collection method: clinical testing. Allele origin: germline. Affected: yes. Observed: 5 variant alleles.

Fulgent Genetics
Classification: Likely pathogenic for Usher syndrome type 2A; Retinitis pigmentosa 39. Last evaluated: 2024-02-27. Review status: criteria provided, single submitter. Criteria: ACMG Guidelines, 2015. Collection method: clinical testing. Allele origin: germline.

Myriad Genetics, Inc.
Classification: Likely pathogenic for USH2A-related disorder. Last evaluated: 2023-10-24. Review status: criteria provided, single submitter. Criteria: Myriad Autosomal Dominant, Autosomal Recessive and X-Linked Classification Criteria (2023). Collection method: clinical testing. Allele origin: unknown.
Comment: NM_206933.2(USH2A):c.2332G>T(D778Y) is a missense variant classified as likely pathogenic in the context of USH2A-related disorders. D778Y has been observed in cases with relevant disease (PMID: 31736247, 34327195, 32579692, 25649381, 26969326, 17085681, 36196406). Relevant functional assessments of this variant are not available in the literature. D778Y has been observed in referenced population frequency databases. In summary, NM_206933.2(USH2A):c.2332G>T(D778Y) is a missense variant that has been observed more frequently in cases with the relevant disease than in healthy populations. Please note: this variant was assessed in the context of healthy population screening.

Women's Health and Genetics/Laboratory Corporation of America, LabCorp
Classification: Pathogenic for Usher syndrome. Last evaluated: 2021-12-14. Review status: criteria provided, single submitter. Criteria: LabCorp Variant Classification Summary - May 2015. Collection method: clinical testing. Allele origin: germline.
Comment: Variant summary: USH2A c.2332G>T (p.Asp778Tyr) results in a non-conservative amino acid change located in the Laminin-type EGF domain (IPR002049) of the encoded protein sequence. Five of five in-silico tools predict a damaging effect of the variant on protein function. The variant allele was found at a frequency of 5.2e-05 in 250894 control chromosomes in the gnomAD database, including 1 homozygote. c.2332G>T has been reported in the literature in multiple compound heterozygous individuals affected with Usher Syndrome or retinal disease (examples: Aller_2006, Sloan-Heggen_2016, Zenteno_2019, and McGowan_2020), as well as a homozygous individual with normal hearing and nyctalopia (Lenassi_2015). These data indicate that the variant is very likely to be associated with disease. Four clinical diagnostic laboratories have submitted clinical-significance assessments for this variant to ClinVar after 2014 and classified the variant as pathogenic (n=3) and as a variant of uncertain significance (n=1). Based on the evidence outlined above, the variant was classified as pathogenic.

ARUP Laboratories, Molecular Genetics and Genomics, ARUP Laboratories
Classification: Uncertain significance. Last evaluated: 2021-04-13. Review status: criteria provided, single submitter. Criteria: ARUP Molecular Germline Variant Investigation Process 2021. Collection method: clinical testing. Allele origin: germline.
Comment: The USH2A c.2332G>T; p.Asp778Tyr variant (rs142898216; ClinVar Variation ID: 178583) has been previously observed in patients with clinical features of Usher syndrome (US) or retinitis pigmentosa (RP). One patient with US found to be homozygous for this variant, while one US and one RP patient were found to carry this variant in a presumed transheterozygous configuration with other established pathogenic variants in USH2A (Aller 2006, Lenassi 2015, Sloan-Heggen 2016). This variants is rare in the general population, though it is found at higher frequencies is African Americans in in the Genome Aggregation Database (0.056% MAF; 14 out of 24,968 chromosomes, including 1 homozygous individual). The aspartic acid at codon 778 is moderately conserved, and computational analyses are uncertain whether this variant is neutral or deleterious (REVEL: 0.598). Based on the available information, the clinical significance of this variant is uncertain. References: Aller et al. Identification of 14 novel mutations in the long isoform of USH2A in Spanish patients with Usher syndrome type II. J Med Genet. 2006 Nov;43(11):e55. PMID: 17085681 Lenassi et al. A detailed clinical and molecular survey of subjects with nonsyndromic USH2A retinopathy reveals an allelic hierarchy of disease-causing variants. Eur J Hum Genet. 2015 Oct;23(10):1318-27. PMID: 25649381 Sloan-Heggen et al. Comprehensive genetic testing in the clinical evaluation of 1119 patients with hearing loss. Hum Genet. 2016 Apr;135(4):441-450. PMID: 26969326

CeGaT Center for Human Genetics Tuebingen
Classification: Pathogenic. Last evaluated: 2017-05-01. Review status: criteria provided, single submitter. Criteria: CeGaT Center For Human Genetics Tuebingen Variant Classification Criteria Version 2. Collection method: clinical testing. Allele origin: germline. Affected: yes. Observed: 1 variant allele.

Laboratory for Molecular Medicine, Mass General Brigham Personalized Medicine
Classification: Uncertain significance. Last evaluated: 2014-11-07. Review status: criteria provided, single submitter. Criteria: LMM Criteria. Collection method: clinical testing. Allele origin: germline. Observed: 1 variant allele.
Comment: Variant classified as Uncertain Significance - Favor Pathogenic. This variant has been identified in 0.05% (2/4406) of African American chromosomes by the NHLBI Exome Sequencing Project (dbSNP rs142898216); howev er this frequency is not high enough to rule out a pathogenic role. Computationa l prediction tools suggest that the p.Asp778Tyr variant may impact the protein, though this information is not predictive enough to determine pathogenicity. In summary, while there is some suspicion for a pathogenic role, the clinical signi ficance of the p.Asp778Tyr variant is uncertain.

Literature cited by the submitters: PubMed 17085681 (cited by 5 submitters); PubMed 25649381 (cited by 4 submitters); PubMed 26969326 (cited by 4 submitters); PubMed 37446072 (cited by Natera, Inc.); PubMed 31736247 (cited by 3 submitters); PubMed 34327195 (cited by Natera, Inc. and Myriad Genetics, Inc.); PubMed 36003347 (cited by Natera, Inc.); PubMed 32579692 (cited by Myriad Genetics, Inc. and Women's Health and Genetics/Laboratory Corporation of America, LabCorp); PubMed 36196406 (cited by Myriad Genetics, Inc.); PubMed 32637036 (cited by Women's Health and Genetics/Laboratory Corporation of America, LabCorp).

NM_206933.4(USH2A):c.2332G>T (p.Asp778Tyr)

Genes: USH2A (usherin; minus strand), LOC122152296 (Sharpr-MPRA regulatory region 8762; plus strand). Cytogenetic location: 1q41.
Variant type: single nucleotide variant.
Coding change: c.2332G>T on transcript NM_206933.4 (MANE Select); coding-DNA position 2332, G replaced by T.
Protein change: p.Asp778Tyr; replaces aspartic acid 778 with tyrosine.
Molecular consequence: missense variant.
Genome position (GRCh38, 1-based): chr1:216,247,062, C>A on the plus strand (G>T on the coding strand, the complement: USH2A is on the minus strand). VCF-style: chr1-216247062-C-A. GRCh37 (hg19) VCF-style: chr1-216420404-C-A.
Other names: c.2332G>T, p.Asp778Tyr (NM_007123.6); short protein forms D778Y.
Identifiers: ClinVar variation 178583 (VCV000178583.71), dbSNP rs142898216, ClinGen allele CA182608.